The following is an entry in ClinVar:

ClinVar aggregate classification (germline): Likely benign. Review status: criteria provided, multiple submitters, no conflicts (2 of 4 stars). 2 submissions from 2 submitters: Likely benign (2). Last evaluated 2025-03-03.

Conditions:
Peroxisome biogenesis disorder 12A (Zellweger). Also called: Peroxisome biogenesis disorder 12A. Identifiers: Orphanet 912, MedGen C3554002, MONDO:0013951, OMIM 614886.
PEX19-related disorder. Also called: PEX19-related condition.

Allele frequency attached by ClinVar (database versions not stated): gnomAD exomes below 0.00001; TOPMed 0.00001.

Submissions (3):

PreventionGenetics, part of Exact Sciences
Classification: Likely benign for PEX19-related condition. Last evaluated: 2025-03-03. Review status: criteria provided, single submitter. Criteria: ACMG Guidelines, 2015. Collection method: clinical testing. Allele origin: germline.
Comment: This variant is classified as likely benign based on ACMG/AMP sequence variant interpretation guidelines (Richards et al. 2015 PMID: 25741868, with internal and published modifications).

Labcorp Genetics (formerly Invitae), Labcorp
Classification: Likely benign for Peroxisome biogenesis disorder 12A (Zellweger). Last evaluated: 2023-07-19. Review status: criteria provided, single submitter. Criteria: Invitae Variant Classification Sherloc (09022015). Collection method: clinical testing. Allele origin: germline.

Dr. Peter K. Rogan Lab, Western University
No classification provided (evidence only). Condition: Gastric cancer. Review status: no classification provided. Collection method: in vitro. Allele origin: not applicable. Functional consequence: skipped exon. Not counted in ClinVar's aggregate classification.

NM_002857.4(PEX19):c.144G>A (p.Ser48=)

Gene: PEX19 (peroxisomal biogenesis factor 19; minus strand). Cytogenetic location: 1q23.2.
Variant type: single nucleotide variant.
Coding change: c.144G>A on transcript NM_002857.4 (MANE Select); coding-DNA position 144, G replaced by A.
Protein change: p.Ser48=; no amino-acid change (serine 48 retained).
Molecular consequence: synonymous variant. On other transcripts: non-coding transcript variant (1).
Genome position (GRCh38, 1-based): chr1:160,283,566, C>T on the plus strand (G>A on the coding strand, the complement: PEX19 is on the minus strand). VCF-style: chr1-160283566-C-T. GRCh37 (hg19) VCF-style: chr1-160253356-C-T.
Other names: c.144G>A (NM_002857.3); c.144G>A, p.Ser48= (NM_001193644.1).
Identifiers: ClinVar variation 1482967 (VCV001482967.8), dbSNP rs1272211650, ClinGen allele CA421363225.